The following is an entry in ClinVar:

NM_004974.4(KCNA2):c.1022T>C (p.Leu341Pro)

Gene: KCNA2 (potassium voltage-gated channel subfamily A member 2; minus strand). Cytogenetic location: 1p13.3.
Variant type: single nucleotide variant.
Coding change: c.1022T>C on transcript NM_004974.4 (MANE Select); coding-DNA position 1022, T replaced by C.
Protein change: p.Leu341Pro; replaces leucine 341 with proline.
Molecular consequence: missense variant. On other transcripts: intron variant (1).
Genome position (GRCh38, 1-based): chr1:110,603,761, A>G on the plus strand (T>C on the coding strand, the complement: KCNA2 is on the minus strand). VCF-style: chr1-110603761-A-G. GRCh37 (hg19) VCF-style: chr1-111146383-A-G.
Other names: c.894+128T>C (NM_001204269.2); short protein forms L341P.
Identifiers: ClinVar variation 1306680 (VCV001306680.6), dbSNP rs2101397797, ClinGen allele CA341602315.

ClinVar aggregate classification (germline): Uncertain significance. Review status: criteria provided, multiple submitters, no conflicts (2 of 4 stars). 3 submissions from 3 submitters: Uncertain significance (3). Last evaluated 2023-10-27.

Conditions:
Developmental and epileptic encephalopathy, 32 (DEE32). Also called: Epileptic encephalopathy, early infantile, 32. Identifiers: Orphanet 442835, MedGen C4225350, MONDO:0014607, OMIM 616366.

Submissions (3):

Greenwood Genetic Center Diagnostic Laboratories, Greenwood Genetic Center
Classification: Uncertain significance. Last evaluated: 2023-10-27. Review status: criteria provided, single submitter. Criteria: ACMG Guidelines, 2015. Collection method: clinical testing. Allele origin: germline. Affected: yes.
Comment: PM2, PP2, PP3

Labcorp Genetics (formerly Invitae), Labcorp
Classification: Uncertain significance for Developmental and epileptic encephalopathy, 32. Last evaluated: 2023-02-01. Review status: criteria provided, single submitter. Criteria: Invitae Variant Classification Sherloc (09022015). Collection method: clinical testing. Allele origin: germline.
Comment: In summary, the available evidence is currently insufficient to determine the role of this variant in disease. Therefore, it has been classified as a Variant of Uncertain Significance. Advanced modeling of protein sequence and biophysical properties (such as structural, functional, and spatial information, amino acid conservation, physicochemical variation, residue mobility, and thermodynamic stability) performed at Invitae indicates that this missense variant is expected to disrupt KCNA2 protein function. ClinVar contains an entry for this variant (Variation ID: 1306680). This variant has not been reported in the literature in individuals affected with KCNA2-related conditions. This variant is not present in population databases (gnomAD no frequency). This sequence change replaces leucine, which is neutral and non-polar, with proline, which is neutral and non-polar, at codon 341 of the KCNA2 protein (p.Leu341Pro).

GeneDx
Classification: Uncertain significance. Last evaluated: 2020-07-01. Review status: criteria provided, single submitter. Criteria: GeneDx Variant Classification Process June 2021. Collection method: clinical testing. Allele origin: germline. Affected: yes.
Comment: Not observed in large population cohorts (Lek et al., 2016); In silico analysis, which includes protein predictors and evolutionary conservation, supports a deleterious effect; Has not been previously published as pathogenic or benign to our knowledge